The following is an entry in ClinVar:

ClinVar aggregate classification (germline): Uncertain significance (1 of 4 stars; one submission).

gnomAD v4.1: 2 of 1,192,915 alleles (0.00017%); highest among the groups gnomAD compares: East Asian, 0.003%; no homozygotes.

Submission:

GeneDx
Classification: Uncertain significance. Last evaluated: 2026-10-01. Review status: criteria provided, single submitter. Criteria: GeneDx Variant Classification Process June 2021. Collection method: clinical testing. Allele origin: germline.
Comment: Not observed at significant frequency in large population cohorts (gnomAD); In silico analysis supports that this missense variant has a deleterious effect on protein structure/function; Has not been previously published as pathogenic or benign to our knowledge

NM_006521.6(TFE3):c.1277G>A (p.Arg426Gln)

Gene: TFE3 (transcription factor binding to IGHM enhancer 3; minus strand). Cytogenetic location: Xp11.23.
Variant type: single nucleotide variant.
Coding change: c.1277G>A on transcript NM_006521.6 (MANE Select); coding-DNA position 1277, G replaced by A.
Protein change: p.Arg426Gln; replaces arginine 426 with glutamine.
Molecular consequence: missense variant.
Genome position (GRCh38, 1-based): chrX:49,031,404, C>T on the plus strand (G>A on the coding strand, the complement: TFE3 is on the minus strand). VCF-style: chrX-49031404-C-T. GRCh37 (hg19) VCF-style: chrX-48888919-C-T.
Other names: c.962G>A, p.Arg321Gln (NM_001282142.2); short protein forms R321Q, R426Q.
Identifiers: ClinVar variation 3764143 (VCV003764143.2).